The following is an entry in ClinVar:

ClinVar aggregate classification (germline): Pathogenic (1 of 4 stars; one submission).

Conditions:
Branchiootorenal syndrome 1. Also called: Branchio-Oto-Renal Syndrome 1. Identifiers: Orphanet 107, MedGen C4551702, MONDO:0007236, OMIM 113650.

Submission:

Institute of Human Genetics, University of Goettingen
Classification: Pathogenic for Branchiootorenal syndrome 1. Last evaluated: 2025-07-17. Review status: criteria provided, single submitter. Criteria: ACMG Guidelines, 2015. Collection method: clinical testing. Allele origin: de novo. Inheritance: Autosomal dominant inheritance. Affected: yes.
Comment: The substitution is located in 'NM_000503.6' exon 15. The variation shows a highly conserved nucleotide (phyloP: 7.74 [-19.0, 10.9]). This variant is in protein domain: EYA domain and HAD-like domain. The variation generates a 'Nonsense' as coding effect. Codon TGG changed to TAG. The reading frame is interrupted by a premature STOP codon.

Literature cited by the submitters: PubMed 9020840.

NM_000503.6(EYA1):c.1391G>A (p.Trp464Ter)

Gene: EYA1 (EYA transcriptional coactivator and phosphatase 1; minus strand). Cytogenetic location: 8q13.3.
Variant type: single nucleotide variant.
Coding change: c.1391G>A on transcript NM_000503.6 (MANE Select); coding-DNA position 1391, G replaced by A.
Protein change: p.Trp464Ter; replaces tryptophan 464 with a stop codon.
Molecular consequence: nonsense.
Genome position (GRCh38, 1-based): chr8:71,215,698, C>T on the plus strand (G>A on the coding strand, the complement: EYA1 is on the minus strand). VCF-style: chr8-71215698-C-T. GRCh37 (hg19) VCF-style: chr8-72127933-C-T.
Other names: c.1373G>A, p.Trp458Ter (NM_001288574.2, NM_172059.5); c.1025G>A, p.Trp342Ter (NM_001288575.2); c.1478G>A, p.Trp493Ter (NM_001370333.1); c.1391G>A, p.Trp464Ter (NM_001370334.1, NM_001370335.1, NM_172058.4); c.1370G>A, p.Trp457Ter (NM_001370336.1); c.1292G>A, p.Trp431Ter (NM_001411797.1, NM_172060.4); short protein forms W342*, W431*, W457*, W458*, W464*, W493*.
Identifiers: ClinVar variation 4813663 (VCV004813663.1).